The following is an entry in ClinVar:

NM_001015877.2(PHF6):c.176A>G (p.Asn59Ser)

Gene: PHF6 (PHD finger protein 6; plus strand). Cytogenetic location: Xq26.2.
Variant type: single nucleotide variant.
Coding change: c.176A>G on transcript NM_001015877.2 (MANE Select); coding-DNA position 176, A replaced by G.
Protein change: p.Asn59Ser; replaces asparagine 59 with serine.
Molecular consequence: missense variant.
Genome position (GRCh38, 1-based): chrX:134,378,042, A>G. VCF-style: chrX-134378042-A-G. GRCh37 (hg19) VCF-style: chrX-133512072-A-G.
Other names: c.176A>G, p.Asn59Ser (NM_032335.3, NM_032458.3, LRG_629t2); short protein forms N59S.
Identifiers: ClinVar variation 431889 (VCV000431889.5), dbSNP rs202007952, ClinGen allele CA10521163.
Genomic context (GRCh38, chrX:134,378,042, plus strand): 5'-TTTTTTTTAAATGTAATTTATAGCTCTTTTCATCTGCTTTGGTATCATCACACTCTGATA[A>G]TGAAAGTCTTGGTGGATTTTCTATTGAAGATGTCCAAAAGGAAATTAAAAGAGGCACGAA-3'
Protein context (NP_001015877.1, residues 49-69): SSALVSSHSD[Asn59Ser]ESLGGFSIED

ClinVar aggregate classification (germline): Uncertain significance. Review status: criteria provided, multiple submitters, no conflicts (2 of 4 stars). 2 submissions from 2 submitters: Uncertain significance (2). Last evaluated 2023-08-28.

Conditions:
Borjeson-Forssman-Lehmann syndrome (BFLS). Also called: MENTAL RETARDATION, X-LINKED, SYNDROMIC, BORJESON-FORSSMAN-LEHMANN TYPE; MENTAL RETARDATION, EPILEPSY, AND ENDOCRINE DISORDERS; BORJESON SYNDROME. Identifiers: Orphanet 127, MedGen C0265339, MONDO:0010537, OMIM 301900.

Allele frequency attached by ClinVar (database versions not stated): TOPMed below 0.00001; ExAC 0.00001; gnomAD exomes 0.00002; ESP Exome Variant Server 0.00009.
gnomAD v4.1: 27 of 1,204,372 alleles (0.0022%); highest among the groups gnomAD compares: Non-Finnish European, 0.0026%; no homozygotes.

Submissions (2):

Labcorp Genetics (formerly Invitae), Labcorp
Classification: Uncertain significance for Borjeson-Forssman-Lehmann syndrome. Last evaluated: 2023-08-28. Review status: criteria provided, single submitter. Criteria: Invitae Variant Classification Sherloc (09022015). Collection method: clinical testing. Allele origin: germline.
Comment: In summary, the available evidence is currently insufficient to determine the role of this variant in disease. Therefore, it has been classified as a Variant of Uncertain Significance. Advanced modeling of protein sequence and biophysical properties (such as structural, functional, and spatial information, amino acid conservation, physicochemical variation, residue mobility, and thermodynamic stability) performed at Invitae indicates that this missense variant is not expected to disrupt PHF6 protein function. ClinVar contains an entry for this variant (Variation ID: 431889). This variant has not been reported in the literature in individuals affected with PHF6-related conditions. This variant is present in population databases (rs202007952, gnomAD 0.003%), including at least one homozygous and/or hemizygous individual. This sequence change replaces asparagine, which is neutral and polar, with serine, which is neutral and polar, at codon 59 of the PHF6 protein (p.Asn59Ser).

GeneDx
Classification: Uncertain significance. Last evaluated: 2015-07-30. Review status: criteria provided, single submitter. Criteria: GeneDx Variant Classification (06012015). Collection method: clinical testing. Allele origin: germline. Affected: yes.
Comment: The N59S variant has not been published as a pathogenic variant, nor has it been reported as a benign polymorphism to our knowledge. It was not observed with any significant frequency in approximately 6,500 individuals of European and African American ancestry in the NHLBI Exome Sequencing Project. The N59S variant is a conservative amino acid substitution, which is not likely to impact secondary protein structure as these residues share similar properties. This substitution occurs at a position where amino acids with similar properties to Asparagine are tolerated across species, and Serine is observed at this position in evolution. However, in silico analysis is inconsistent in its predictions as to whether or not the N59S variant is damaging to the protein structure/function. Therefore, based on the currently available information, it is unclear whether this variant is a pathogenic variant or a rare benign variant.